The following is an entry in ClinVar:

NM_005908.4(MANBA):c.*317A>G

Gene: MANBA (mannosidase beta; minus strand). Cytogenetic location: 4q24.
Variant type: single nucleotide variant.
Coding change: c.*317A>G on transcript NM_005908.4 (MANE Select); 317 bases downstream of the stop codon, A replaced by G.
Molecular consequence: 3 prime UTR variant.
Genome position (GRCh38, 1-based): chr4:102,631,740, T>C on the plus strand (A>G on the coding strand, the complement: MANBA is on the minus strand). VCF-style: chr4-102631740-T-C. GRCh37 (hg19) VCF-style: chr4-103552897-T-C.
Identifiers: ClinVar variation 347070 (VCV000347070.7), dbSNP rs78514870, ClinGen allele CA10617636.
Genomic context (GRCh38, chr4:102,631,740, plus strand): 5'-AAGACCTACATCACCTCAAAACCTTCCATTTGGTTCCATAGATCCTGCCATGTCACATTC[T>C]TGTAACCAGCTGCAGGGCCATCTTGTTATAACTGGTTCATGTCCTGCTAAAGCTGAGAGG-3'

ClinVar aggregate classification (germline): Benign. Review status: criteria provided, multiple submitters, no conflicts (2 of 4 stars). 2 submissions from 2 submitters: Benign (2). Last evaluated 2019-03-24.

Conditions:
Beta-D-mannosidosis (MANSB). Also called: LYSOSOMAL BETA-MANNOSIDASE DEFICIENCY; Beta-Mannosidosis; MANNOSIDOSIS, BETA A, LYSOSOMAL; BETA-MANNOSIDASE DEFICIENCY. Identifiers: Orphanet 118, MedGen C4048196, MONDO:0009562, OMIM 248510.

Allele frequency attached by ClinVar (database versions not stated): gnomAD exomes 0.00984; 1000 Genomes Project 0.02556; 1000 Genomes Project 30x 0.02655; gnomAD 0.02873 and 0.03053; TOPMed 0.03147.
gnomAD v4.1: 8,528 of 570,402 alleles (1.5%); highest among the groups gnomAD compares: African/African-American, 7.9%; 205 homozygotes.

Submissions (2):

GeneDx
Classification: Benign. Last evaluated: 2019-03-24. Review status: criteria provided, single submitter. Criteria: GeneDx Variant Classification Process June 2021. Collection method: clinical testing. Allele origin: germline. Affected: yes.

Illumina Laboratory Services, Illumina
Classification: Benign for Beta-D-mannosidosis. Last evaluated: 2018-01-13. Review status: criteria provided, single submitter. Criteria: ICSL Variant Classification Criteria 13 December 2019. Collection method: clinical testing. Allele origin: germline.
Comment: This variant was observed in the ICSL laboratory as part of a predisposition screen in an ostensibly healthy population. It had not been previously curated by ICSL or reported in the Human Gene Mutation Database (HGMD: prior to June 1st, 2018), and was therefore a candidate for classification through an automated scoring system. Utilizing variant allele frequency, disease prevalence and penetrance estimates, and inheritance mode, an automated score was calculated to assess if this variant is too frequent to cause the disease. Based on the score and internal cut-off values, a variant classified as benign is not then subjected to further curation. The score for this variant resulted in a classification of benign for this disease.